The following is an entry in ClinVar:

ClinVar aggregate classification (germline): Uncertain significance (1 of 4 stars; one submission).

Conditions:
Neuropathy, hereditary motor and sensory, type 6B (HMSN6B). Also called: CHARCOT-MARIE-TOOTH DISEASE, TYPE 6B; HMSN VIB; Neuropathy, hereditary motor and sensory, type VIB; NEUROPATHY, HEREDITARY MOTOR AND SENSORY, TYPE VIB, WITH OPTIC ATROPHY. Identifiers: MedGen C4225302, MONDO:0014671, OMIM 616505.

gnomAD v4.1: 4 of 1,523,550 alleles (0.00026%); highest among the groups gnomAD compares: Non-Finnish European, 0.00035%; no homozygotes.

Submission:

Labcorp Genetics (formerly Invitae), Labcorp
Classification: Uncertain significance for Neuropathy, hereditary motor and sensory, type 6B. Last evaluated: 2018-09-20. Review status: criteria provided, single submitter. Criteria: Invitae Variant Classification Sherloc (09022015). Collection method: clinical testing. Allele origin: germline.
Comment: This sequence change falls in intron 7 of the SLC25A46 gene. It does not directly change the encoded amino acid sequence of the SLC25A46 protein, but it affects a nucleotide within the consensus splice site of the intron. This variant is not present in population databases (ExAC no frequency). This variant has not been reported in the literature in individuals with SLC25A46-related disease. Nucleotide substitutions within the consensus splice site are a relatively common cause of aberrant splicing (PMID: 17576681, 9536098). Algorithms developed to predict the effect of sequence changes on RNA splicing suggest that this variant is not likely to affect RNA splicing, but this prediction has not been confirmed by published transcriptional studies. In summary, the available evidence is currently insufficient to determine the role of this variant in disease. Therefore, it has been classified as a Variant of Uncertain Significance.

Literature cited by the submitters: PubMed 17576681; PubMed 9536098.

NM_138773.4(SLC25A46):c.678+3G>A

Gene: SLC25A46 (solute carrier family 25 member 46; plus strand). Cytogenetic location: 5q22.1.
Variant type: single nucleotide variant.
Coding change: c.678+3G>A on transcript NM_138773.4 (MANE Select); 3 bases into the intron after coding-DNA position 678, G replaced by A.
Molecular consequence: intron variant.
Genome position (GRCh38, 1-based): chr5:110,756,762, G>A. VCF-style: chr5-110756762-G-A. GRCh37 (hg19) VCF-style: chr5-110092462-G-A.
Other names: c.405+3G>A (NM_001303250.3); c.678+3G>A (NM_001303249.3).
Identifiers: ClinVar variation 640032 (VCV000640032.7), dbSNP rs1580867186, ClinGen allele CA915943510.